The following is an entry in ClinVar:

NM_016239.4(MYO15A):c.6765-2A>G

Gene: MYO15A (myosin XVA; plus strand). Cytogenetic location: 17p11.2.
Variant type: single nucleotide variant.
Coding change: c.6765-2A>G on transcript NM_016239.4 (MANE Select); the canonical splice acceptor site of the intron before coding-DNA position 6765, A replaced by G.
Molecular consequence: splice acceptor variant.
Genome position (GRCh38, 1-based): chr17:18,148,759, A>G. VCF-style: chr17-18148759-A-G. GRCh37 (hg19) VCF-style: chr17-18052073-A-G.
Identifiers: ClinVar variation 1482266 (VCV001482266.6), dbSNP rs2142362830, ClinGen allele CA398611928.

ClinVar aggregate classification (germline): Likely pathogenic (1 of 4 stars; one submission).

Submission:

Labcorp Genetics (formerly Invitae), Labcorp
Classification: Likely pathogenic. Last evaluated: 2024-04-15. Review status: criteria provided, single submitter. Criteria: Invitae Variant Classification Sherloc (09022015). Collection method: clinical testing. Allele origin: germline.
Comment: This sequence change affects an acceptor splice site in intron 32 of the MYO15A gene. It is expected to disrupt RNA splicing. Variants that disrupt the donor or acceptor splice site typically lead to a loss of protein function (PMID: 16199547), and loss-of-function variants in MYO15A are known to be pathogenic (PMID: 17546645). This variant is not present in population databases (gnomAD no frequency). This variant has not been reported in the literature in individuals affected with MYO15A-related conditions. ClinVar contains an entry for this variant (Variation ID: 1482266). Algorithms developed to predict the effect of sequence changes on RNA splicing suggest that this variant may disrupt the consensus splice site. In summary, the currently available evidence indicates that the variant is pathogenic, but additional data are needed to prove that conclusively. Therefore, this variant has been classified as Likely Pathogenic.

Literature cited by the submitters: PubMed 16199547; PubMed 17546645.